The following is an entry in ClinVar:

ClinVar aggregate classification (germline): Uncertain significance (1 of 4 stars; one submission).

Conditions:
Epileptic encephalopathy. Identifiers: MedGen C0543888, HP:0200134.

Allele frequency attached by ClinVar (database versions not stated): gnomAD exomes 0.00001.
gnomAD v4.1: 17 of 1,612,036 alleles (0.0011%); highest among the groups gnomAD compares: Non-Finnish European, 0.0013%; no homozygotes.

Submission:

Labcorp Genetics (formerly Invitae), Labcorp
Classification: Uncertain significance for Epileptic encephalopathy. Last evaluated: 2020-12-20. Review status: criteria provided, single submitter. Criteria: Invitae Variant Classification Sherloc (09022015). Collection method: clinical testing. Allele origin: germline.
Comment: Algorithms developed to predict the effect of missense changes on protein structure and function are either unavailable or do not agree on the potential impact of this missense change (SIFT: "Deleterious"; PolyPhen-2: "Possibly Damaging"; Align-GVGD: "Class C0"). This variant has not been reported in the literature in individuals with FASN-related conditions. This variant is not present in population databases (ExAC no frequency). This sequence change replaces leucine with arginine at codon 1633 of the FASN protein (p.Leu1633Arg). The leucine residue is highly conserved and there is a moderate physicochemical difference between leucine and arginine. In summary, the available evidence is currently insufficient to determine the role of this variant in disease. Therefore, it has been classified as a Variant of Uncertain Significance.

NM_004104.5(FASN):c.4898T>G (p.Leu1633Arg)

Gene: FASN (fatty acid synthase; minus strand). Cytogenetic location: 17q25.3.
Variant type: single nucleotide variant.
Coding change: c.4898T>G on transcript NM_004104.5 (MANE Select); coding-DNA position 4898, T replaced by G.
Protein change: p.Leu1633Arg; replaces leucine 1633 with arginine.
Molecular consequence: missense variant.
Genome position (GRCh38, 1-based): chr17:82,084,255, A>C on the plus strand (T>G on the coding strand, the complement: FASN is on the minus strand). VCF-style: chr17-82084255-A-C. GRCh37 (hg19) VCF-style: chr17-80042131-A-C.
Other names: short protein forms L1633R.
Identifiers: ClinVar variation 1357823 (VCV001357823.8), dbSNP rs1258841295, ClinGen allele CA401543169.